The following is an entry in ClinVar:

ClinVar aggregate classification (germline): Pathogenic (1 of 4 stars; one submission).

Conditions:
Renal cysts and diabetes syndrome (RCAD). Also called: Familial hypoplastic, glomerulocystic kidney; MATURITY-ONSET DIABETES OF THE YOUNG, TYPE 5. Identifiers: Orphanet 93111, MedGen C0431693, MONDO:0007669, OMIM 137920.

Submission:

Institute of Human Genetics, FAU Erlangen, Friedrich-Alexander-Universität Erlangen-Nürnberg
Classification: Pathogenic for Renal cysts and diabetes syndrome. Last evaluated: 2019-07-06. Review status: criteria provided, single submitter. Criteria: ACMG Guidelines, 2015. Collection method: literature only. Allele origin: germline. Affected: yes.
Comment: This variant and it's classification has been reported by Vasileiou et al. 2019; DOI:10.1101/576918. The variants has previously been reported in PMID:28420700 as "c.280del,p.Glu94fs" with clinical significance Pathogenic. It has been re-classified using InterVar and manual curation as Pathogenic based on PVS1 PM2 PP3.

Literature cited by the submitters: PubMed 28420700; DOI 10.1101/576918.

NM_000458.4(HNF1B):c.280del (p.Glu94fs)

Gene: HNF1B (HNF1 homeobox B; minus strand). Cytogenetic location: 17q12.
Variant type: Deletion.
Coding change: c.280del on transcript NM_000458.4 (MANE Select); coding-DNA position 280, one base deleted (G; older notation c.280delG).
Protein change: p.Glu94fs; shifts the reading frame from glutamic acid 94.
Molecular consequence: frameshift variant.
Genome position (GRCh38, 1-based): chr17:37,744,605, C deleted on the plus strand (G on the coding strand, the reverse complement: HNF1B is on the minus strand); the first of 2 consecutive C bases (chr17:37,744,605-37,744,606); deleting either gives the same sequence. VCF-style (leftmost placement, unchanged base first): chr17-37744604-TC-T. GRCh37 (hg19) VCF-style: chr17-36104595-TC-T.
Other names: c.280del, p.Glu94fs (NM_001165923.4, NM_001304286.2); short protein forms E94fs.
Identifiers: ClinVar variation 635720 (VCV000635720.1), dbSNP rs2511850271, ClinGen allele CA913190801.